The following is an entry in ClinVar:

ClinVar aggregate classification (germline): Likely pathogenic (1 of 4 stars; one submission).

Conditions:
Retinitis pigmentosa 2 (RP2). Also called: Retinitis pigmentosa 2, X linked. Identifiers: Orphanet 791, MedGen C2681923, MONDO:0010723, OMIM 312600.

Submission:

Laboratory of Medical Genetics, National & Kapodistrian University of Athens
Classification: Likely pathogenic for Retinitis pigmentosa 2. Last evaluated: 2021-10-01. Review status: criteria provided, single submitter. Criteria: ACMG Guidelines, 2015. Collection method: clinical testing. Allele origin: unknown. Affected: yes.
Comment: PM2, PP3, PP4, PP5

Literature cited by the submitters: PubMed 34008892.

NM_006915.3(RP2):c.969+3A>C

Gene: RP2 (RP2 activator of ARL3 GTPase; plus strand). Cytogenetic location: Xp11.3.
Variant type: single nucleotide variant.
Coding change: c.969+3A>C on transcript NM_006915.3 (MANE Select); 3 bases into the intron after coding-DNA position 969, A replaced by C.
Molecular consequence: intron variant.
Genome position (GRCh38, 1-based): chrX:46,877,593, A>C. VCF-style: chrX-46877593-A-C. GRCh37 (hg19) VCF-style: chrX-46737028-A-C.
Identifiers: ClinVar variation 1299649 (VCV001299649.1), dbSNP rs2147089334, ClinGen allele CA2499226737.